The following is an entry in ClinVar:

ClinVar aggregate classification (germline): Uncertain significance (1 of 4 stars; one submission).

Conditions:
Hereditary cancer-predisposing syndrome. Also called: Tumor predisposition; Hereditary Cancer Syndrome; Neoplastic Syndromes, Hereditary; Hereditary neoplastic syndrome. Identifiers: Orphanet 140162, MedGen C0027672, MeSH D009386, MONDO:0015356.

Submission:

Ambry Genetics
Classification: Uncertain significance for Hereditary cancer-predisposing syndrome. Last evaluated: 2018-06-28. Review status: criteria provided, single submitter. Criteria: Ambry Variant Classification Scheme 2023. Collection method: clinical testing. Allele origin: germline.
Comment: The p.L303F variant (also known as c.909G>T) is located in coding exon 8 of the CHEK2 gene. The leucine at codon 303 is replaced by phenylalanine, an amino acid with highly similar properties. This change occurs in the first base pair of coding exon 8. This amino acid position is highly conserved in available vertebrate species. In addition, the in silico prediction for this alteration is inconclusive. Since supporting evidence is limited at this time, the clinical significance of this alteration remains unclear.

NM_007194.4(CHEK2):c.909G>T (p.Leu303Phe)

Gene: CHEK2 (checkpoint kinase 2; minus strand). Cytogenetic location: 22q12.1.
Variant type: single nucleotide variant.
Coding change: c.909G>T on transcript NM_007194.4 (MANE Select); coding-DNA position 909, G replaced by T.
Protein change: p.Leu303Phe; replaces leucine 303 with phenylalanine.
Molecular consequence: missense variant.
Genome position (GRCh38, 1-based): chr22:28,699,937, C>A on the plus strand (G>T on the coding strand, the complement: CHEK2 is on the minus strand). VCF-style: chr22-28699937-C-A. GRCh37 (hg19) VCF-style: chr22-29095925-C-A.
Other names: c.1038G>T, p.Leu346Phe (NM_001005735.3); c.246G>T, p.Leu82Phe (NM_001257387.3); c.708G>T, p.Leu236Phe (NM_001349956.3); c.909G>T, p.Leu303Phe (NM_145862.3); short protein forms L303F, L82F, L236F, L346F.
Identifiers: ClinVar variation 823012 (VCV000823012.4), dbSNP rs786202256, ClinGen allele CA411100219.